The following is an entry in ClinVar:

NM_172107.4(KCNQ2):c.592C>G (p.Arg198Gly)

Gene: KCNQ2 (potassium voltage-gated channel subfamily Q member 2; minus strand). Cytogenetic location: 20q13.33.
Variant type: single nucleotide variant.
Coding change: c.592C>G on transcript NM_172107.4 (MANE Select); coding-DNA position 592, C replaced by G.
Protein change: p.Arg198Gly; replaces arginine 198 with glycine.
Molecular consequence: missense variant.
Genome position (GRCh38, 1-based): chr20:63,444,757, G>C on the plus strand (C>G on the coding strand, the complement: KCNQ2 is on the minus strand). VCF-style: chr20-63444757-G-C. GRCh37 (hg19) VCF-style: chr20-62076110-G-C.
Other names: c.592C>G, p.Arg198Gly (NM_001382235.1, NM_004518.6, NM_172106.3 and 2 more transcripts); short protein forms R198G.
Identifiers: ClinVar variation 3862992 (VCV003862992.1).

ClinVar aggregate classification (germline): Likely pathogenic (1 of 4 stars; one submission).

Conditions:
Inborn genetic diseases. Identifiers: MedGen C0950123, MeSH D030342.

Submission:

Ambry Genetics
Classification: Likely pathogenic for Inborn genetic diseases. Last evaluated: 2025-02-05. Review status: criteria provided, single submitter. Criteria: Ambry Variant Classification Scheme 2023. Collection method: clinical testing. Allele origin: germline.
Comment: The c.592C>G (p.R198G) alteration is located in exon 4 (coding exon 4) of the KCNQ2 gene. This alteration results from a C to G substitution at nucleotide position 592, causing the arginine (R) at amino acid position 198 to be replaced by a glycine (G). This variant was not reported in population-based cohorts in the Genome Aggregation Database (gnomAD). Another variant at the same codon, c.593G>A (p.R198Q), has been identified in individual(s) with features consistent with infantile spasms and encephalopathy (Millichap, 2017). This amino acid position is highly conserved in available vertebrate species. This missense alteration is located in a region that has a low rate of benign missense variation (Lek, 2016; Firth, 2009). This alteration is predicted to be deleterious by in silico analysis. Based on the available evidence, this alteration is classified as likely pathogenic.

Literature cited by the submitters: PubMed 27861786.